The following is an entry in ClinVar:

NM_013247.5(HTRA2):c.755G>A (p.Arg252Gln)

Genes: HTRA2 (HtrA serine peptidase 2; plus strand), LOC129934143 (ATAC-STARR-seq lymphoblastoid active region 16075; plus strand). Cytogenetic location: 2p13.1.
Variant type: single nucleotide variant.
Coding change: c.755G>A on transcript NM_013247.5 (MANE Select); coding-DNA position 755, G replaced by A.
Protein change: p.Arg252Gln; replaces arginine 252 with glutamine.
Molecular consequence: missense variant. On other transcripts: non-coding transcript variant (4), intron variant (1).
Genome position (GRCh38, 1-based): chr2:74,530,954, G>A. VCF-style: chr2-74530954-G-A. GRCh37 (hg19) VCF-style: chr2-74758081-G-A.
Other names: c.755G>A, p.Arg252Gln (NM_001321727.1, NM_001321728.1); c.711+133G>A (NM_145074.2); short protein forms R252Q.
Identifiers: ClinVar variation 2188914 (VCV002188914.7), dbSNP rs759184920, ClinGen allele CA1728439.

ClinVar aggregate classification (germline): Uncertain significance. Review status: criteria provided, multiple submitters, no conflicts (2 of 4 stars). 2 submissions from 2 submitters: Uncertain significance (2). Last evaluated 2022-08-23.

Conditions:
3-methylglutaconic aciduria type 8. Also called: 3-methylglutaconic aciduria, type VIII. Identifiers: Orphanet 505208, MedGen C4310650, MONDO:0044723, OMIM 617248.

Allele frequency attached by ClinVar (database versions not stated): gnomAD 0.00001; gnomAD exomes 0.00001; TOPMed 0.00001; ExAC 0.00002.
gnomAD v4.1: 7 of 1,614,048 alleles (0.00043%); highest among the groups gnomAD compares: Admixed American, 0.0083%; no homozygotes.

Submissions (2):

Labcorp Genetics (formerly Invitae), Labcorp
Classification: Uncertain significance. Last evaluated: 2022-08-23. Review status: criteria provided, single submitter. Criteria: Invitae Variant Classification Sherloc (09022015). Collection method: clinical testing. Allele origin: germline.
Comment: Algorithms developed to predict the effect of missense changes on protein structure and function are either unavailable or do not agree on the potential impact of this missense change (SIFT: "Deleterious"; PolyPhen-2: "Probably Damaging"; Align-GVGD: "Class C0"). This variant has not been reported in the literature in individuals affected with HTRA2-related conditions. In summary, the available evidence is currently insufficient to determine the role of this variant in disease. Therefore, it has been classified as a Variant of Uncertain Significance. This variant is present in population databases (rs759184920, gnomAD 0.01%). This sequence change replaces arginine, which is basic and polar, with glutamine, which is neutral and polar, at codon 252 of the HTRA2 protein (p.Arg252Gln).

Revvity Omics, Revvity
Classification: Uncertain significance for 3-methylglutaconic aciduria type 8. Last evaluated: 2020-01-24. Review status: criteria provided, single submitter. Criteria: ACMG Guidelines, 2015. Collection method: clinical testing. Allele origin: germline.